The following is an entry in ClinVar:

NM_194318.4(B3GLCT):c.288C>T (p.Leu96=)

Gene: B3GLCT (beta 3-glucosyltransferase; plus strand). Cytogenetic location: 13q12.3.
Variant type: single nucleotide variant.
Coding change: c.288C>T on transcript NM_194318.4 (MANE Select); coding-DNA position 288, C replaced by T.
Protein change: p.Leu96=; no amino-acid change (leucine 96 retained).
Molecular consequence: synonymous variant.
Genome position (GRCh38, 1-based): chr13:31,247,040, C>T. VCF-style: chr13-31247040-C-T. GRCh37 (hg19) VCF-style: chr13-31821177-C-T.
Identifiers: ClinVar variation 497996 (VCV000497996.37), dbSNP rs9542305, ClinGen allele CA6936546.

ClinVar aggregate classification (germline): Conflicting classifications of pathogenicity. Review status: criteria provided, conflicting classifications (1 of 4 stars). 6 submissions from 6 submitters: Uncertain significance (2); Likely benign (4). Last evaluated 2026-02-17.

Conditions:
Peters plus syndrome. Also called: KRAUSE-KIVLIN SYNDROME. Identifiers: Orphanet 709, MedGen C0796012, MONDO:0009856, OMIM 261540.

Allele frequency attached by ClinVar (database versions not stated): 1000 Genomes Project 30x 0.00031; 1000 Genomes Project 0.00040; gnomAD exomes 0.00053 and 0.00074; gnomAD 0.00054 and 0.00055; ExAC 0.00056; TOPMed 0.00067; ESP Exome Variant Server 0.00108.
gnomAD v4.1: 1,151 of 1,611,626 alleles (0.071%); highest among the groups gnomAD compares: Non-Finnish European, 0.091%; no homozygotes.

Submissions (6):

Women's Health and Genetics/Laboratory Corporation of America, LabCorp
Classification: Likely benign. Last evaluated: 2026-02-17. Review status: criteria provided, single submitter. Criteria: LabCorp Variant Classification Summary - May 2015. Collection method: clinical testing. Allele origin: germline.

Labcorp Genetics (formerly Invitae), Labcorp
Classification: Likely benign for Peters plus syndrome. Last evaluated: 2025-09-10. Review status: criteria provided, single submitter. Criteria: Invitae Variant Classification Sherloc (09022015). Collection method: clinical testing. Allele origin: germline.

Blueprint Genetics
Classification: Likely benign. Last evaluated: 2024-11-22. Review status: criteria provided, single submitter. Criteria: ACMG Guidelines, 2015. Collection method: clinical testing. Allele origin: germline.

CeGaT Center for Human Genetics Tuebingen
Classification: Likely benign. Last evaluated: 2024-07-01. Review status: criteria provided, single submitter. Criteria: CeGaT Center For Human Genetics Tuebingen Variant Classification Criteria Version 2. Collection method: clinical testing. Allele origin: germline. Affected: yes. Observed: 1 variant allele.
Comment: B3GLCT: BP4, BP7

Eurofins Ntd Llc (ga)
Classification: Uncertain significance. Last evaluated: 2018-02-02. Review status: criteria provided, single submitter. Criteria: EGL Classification Definitions 2015. Collection method: clinical testing. Allele origin: germline. Observed: 2 variant alleles, 2 heterozygotes.

Illumina Laboratory Services, Illumina
Classification: Uncertain significance for Peters plus syndrome. Last evaluated: 2018-01-12. Review status: criteria provided, single submitter. Criteria: ICSL Variant Classification Criteria 13 December 2019. Collection method: clinical testing. Allele origin: germline.